The following is an entry in ClinVar:

NM_024757.5(EHMT1):c.2974A>G (p.Ser992Gly)

Gene: EHMT1 (euchromatic histone lysine methyltransferase 1; plus strand). Cytogenetic location: 9q34.3.
Variant type: single nucleotide variant.
Coding change: c.2974A>G on transcript NM_024757.5 (MANE Select); coding-DNA position 2974, A replaced by G.
Protein change: p.Ser992Gly; replaces serine 992 with glycine.
Molecular consequence: missense variant.
Genome position (GRCh38, 1-based): chr9:137,813,112, A>G. VCF-style: chr9-137813112-A-G. GRCh37 (hg19) VCF-style: chr9-140707564-A-G.
Other names: c.2953A>G, p.Ser985Gly (NM_001354263.2); short protein forms S992G, S985G.
Identifiers: ClinVar variation 851268 (VCV000851268.11), dbSNP rs1954625494, ClinGen allele CA375793585.

ClinVar aggregate classification (germline): Uncertain significance. Review status: criteria provided, multiple submitters, no conflicts (2 of 4 stars). 2 submissions from 2 submitters: Uncertain significance (2). Last evaluated 2025-02-13.

Conditions:
Inborn genetic diseases. Identifiers: MedGen C0950123, MeSH D030342.
Kleefstra syndrome 1 (KLEFS1). Identifiers: Orphanet 261494, MedGen C0795833, MONDO:0027407, OMIM 610253.

Allele frequency attached by ClinVar (database versions not stated): gnomAD exomes 0.00001.
gnomAD v4.1: 3 of 1,613,280 alleles (0.00019%); highest among the groups gnomAD compares: Admixed American, 0.005%; no homozygotes.

Submissions (2):

Ambry Genetics
Classification: Uncertain significance for Inborn genetic diseases. Last evaluated: 2025-02-13. Review status: criteria provided, single submitter. Criteria: Ambry Variant Classification Scheme 2023. Collection method: clinical testing. Allele origin: germline.

Labcorp Genetics (formerly Invitae), Labcorp
Classification: Uncertain significance for Kleefstra syndrome 1. Last evaluated: 2022-08-09. Review status: criteria provided, single submitter. Criteria: Invitae Variant Classification Sherloc (09022015). Collection method: clinical testing. Allele origin: germline.
Comment: In summary, the available evidence is currently insufficient to determine the role of this variant in disease. Therefore, it has been classified as a Variant of Uncertain Significance. Algorithms developed to predict the effect of missense changes on protein structure and function (SIFT, PolyPhen-2, Align-GVGD) all suggest that this variant is likely to be tolerated. ClinVar contains an entry for this variant (Variation ID: 851268). This variant has not been reported in the literature in individuals affected with EHMT1-related conditions. This variant is not present in population databases (gnomAD no frequency). This sequence change replaces serine, which is neutral and polar, with glycine, which is neutral and non-polar, at codon 992 of the EHMT1 protein (p.Ser992Gly).